The following is an entry in ClinVar:

NM_001849.4(COL6A2):c.263A>G (p.Asp88Gly)

Gene: COL6A2 (collagen type VI alpha 2 chain; plus strand). Cytogenetic location: 21q22.3.
Variant type: single nucleotide variant.
Coding change: c.263A>G on transcript NM_001849.4 (MANE Select); coding-DNA position 263, A replaced by G.
Protein change: p.Asp88Gly; replaces aspartic acid 88 with glycine.
Molecular consequence: missense variant.
Genome position (GRCh38, 1-based): chr21:46,112,126, A>G. VCF-style: chr21-46112126-A-G. GRCh37 (hg19) VCF-style: chr21-47532040-A-G.
Other names: c.263A>G, p.Asp88Gly (NM_058174.3, NM_058175.3); short protein forms D88G.
Identifiers: ClinVar variation 2799598 (VCV002799598.4), dbSNP rs760759735, ClinGen allele CA10071247.

ClinVar aggregate classification (germline): Uncertain significance. Review status: criteria provided, multiple submitters, no conflicts (2 of 4 stars). 2 submissions from 2 submitters: Uncertain significance (2). Last evaluated 2024-03-04.

Conditions:
Inborn genetic diseases. Identifiers: MedGen C0950123, MeSH D030342.
Bethlem myopathy 1A. Also called: Bethlem myopathy 1; MYOPATHY, BENIGN CONGENITAL, WITH CONTRACTURES; Bethlem Muscular Dystrophy. Identifiers: Orphanet 610, MedGen CN029274, MONDO:0024530, OMIM 158810.

Allele frequency attached by ClinVar (database versions not stated): gnomAD 0.00001; TOPMed 0.00001; gnomAD exomes 0.00002; ExAC 0.00003.
gnomAD v4.1: 27 of 1,613,038 alleles (0.0017%); highest among the groups gnomAD compares: Non-Finnish European, 0.0014%; no homozygotes.

Submissions (2):

Ambry Genetics
Classification: Uncertain significance for Inborn genetic diseases. Last evaluated: 2024-03-04. Review status: criteria provided, single submitter. Criteria: Ambry Variant Classification Scheme 2023. Collection method: clinical testing. Allele origin: germline.

Labcorp Genetics (formerly Invitae), Labcorp
Classification: Uncertain significance for Bethlem myopathy 1A. Last evaluated: 2023-07-26. Review status: criteria provided, single submitter. Criteria: Invitae Variant Classification Sherloc (09022015). Collection method: clinical testing. Allele origin: germline.
Comment: In summary, the available evidence is currently insufficient to determine the role of this variant in disease. Therefore, it has been classified as a Variant of Uncertain Significance. Advanced modeling of protein sequence and biophysical properties (such as structural, functional, and spatial information, amino acid conservation, physicochemical variation, residue mobility, and thermodynamic stability) performed at Invitae indicates that this missense variant is not expected to disrupt COL6A2 protein function. This variant has not been reported in the literature in individuals affected with COL6A2-related conditions. This variant is present in population databases (rs760759735, gnomAD 0.01%). This sequence change replaces aspartic acid, which is acidic and polar, with glycine, which is neutral and non-polar, at codon 88 of the COL6A2 protein (p.Asp88Gly).